The following is an entry in ClinVar:

ClinVar aggregate classification (germline): Uncertain significance. Review status: criteria provided, multiple submitters, no conflicts (2 of 4 stars). 2 submissions from 2 submitters: Uncertain significance (2). Last evaluated 2025-10-22.

Conditions:
Inborn genetic diseases. Identifiers: MedGen C0950123, MeSH D030342.

Submissions (2):

Ambry Genetics
Classification: Uncertain significance for Inborn genetic diseases. Last evaluated: 2025-10-22. Review status: criteria provided, single submitter. Criteria: Ambry Variant Classification Scheme 2023. Collection method: clinical testing. Allele origin: germline.

Labcorp Genetics (formerly Invitae), Labcorp
Classification: Uncertain significance. Last evaluated: 2022-07-29. Review status: criteria provided, single submitter. Criteria: Invitae Variant Classification Sherloc (09022015). Collection method: clinical testing. Allele origin: germline.
Comment: In summary, the available evidence is currently insufficient to determine the role of this variant in disease. Therefore, it has been classified as a Variant of Uncertain Significance. Algorithms developed to predict the effect of missense changes on protein structure and function are either unavailable or do not agree on the potential impact of this missense change (SIFT: "Deleterious"; PolyPhen-2: "Benign"; Align-GVGD: "Class C0"). This variant has not been reported in the literature in individuals affected with TTLL5-related conditions. This variant is not present in population databases (gnomAD no frequency). This sequence change replaces isoleucine, which is neutral and non-polar, with leucine, which is neutral and non-polar, at codon 485 of the TTLL5 protein (p.Ile485Leu).

NM_015072.5(TTLL5):c.1453A>T (p.Ile485Leu)

Gene: TTLL5 (tubulin tyrosine ligase like 5; plus strand). Cytogenetic location: 14q24.3.
Variant type: single nucleotide variant.
Coding change: c.1453A>T on transcript NM_015072.5 (MANE Select); coding-DNA position 1453, A replaced by T.
Protein change: p.Ile485Leu; replaces isoleucine 485 with leucine.
Molecular consequence: missense variant.
Genome position (GRCh38, 1-based): chr14:75,745,547, A>T. VCF-style: chr14-75745547-A-T. GRCh37 (hg19) VCF-style: chr14-76211890-A-T.
Other names: c.1453A>T (NM_015072.4); short protein forms I485L.
Identifiers: ClinVar variation 1714177 (VCV001714177.6), dbSNP rs770110882, ClinGen allele CA390465755.